The following is an entry in ClinVar:

ClinVar aggregate classification (germline): Uncertain significance (1 of 4 stars; one submission).

Submission:

GeneDx
Classification: Uncertain significance. Last evaluated: 2025-03-19. Review status: criteria provided, single submitter. Criteria: GeneDx Variant Classification Process June 2021. Collection method: clinical testing. Allele origin: germline. Affected: yes.
Comment: Not observed at significant frequency in large population cohorts (gnomAD); In silico analysis supports that this missense variant has a deleterious effect on protein structure/function; Has not been previously published as pathogenic or benign to our knowledge

NM_031407.7(HUWE1):c.1361C>A (p.Ser454Tyr)

Gene: HUWE1 (HECT, UBA and WWE domain containing E3 ubiquitin protein ligase 1; minus strand). Cytogenetic location: Xp11.22.
Variant type: single nucleotide variant.
Coding change: c.1361C>A on transcript NM_031407.7 (MANE Select); coding-DNA position 1361, C replaced by A.
Protein change: p.Ser454Tyr; replaces serine 454 with tyrosine.
Molecular consequence: missense variant.
Genome position (GRCh38, 1-based): chrX:53,627,761, G>T on the plus strand (C>A on the coding strand, the complement: HUWE1 is on the minus strand). VCF-style: chrX-53627761-G-T. GRCh37 (hg19) VCF-style: chrX-53654712-G-T.
Other names: c.1361C>A, p.Ser454Tyr (NM_001441051.1, NM_001441052.1, NM_001441053.1 and 6 more transcripts); c.1382C>A, p.Ser461Tyr (NM_001441055.1, NM_001441050.1); short protein forms S454Y, S461Y.
Identifiers: ClinVar variation 4086458 (VCV004086458.1).